The following is an entry in ClinVar:

NM_000053.4(ATP7B):c.4219G>C (p.Asp1407His)

Gene: ATP7B (ATPase copper transporting beta; minus strand). Cytogenetic location: 13q14.3.
Variant type: single nucleotide variant.
Coding change: c.4219G>C on transcript NM_000053.4 (MANE Select); coding-DNA position 4219, G replaced by C.
Protein change: p.Asp1407His; replaces aspartic acid 1407 with histidine.
Molecular consequence: missense variant.
Genome position (GRCh38, 1-based): chr13:51,934,935, C>G on the plus strand (G>C on the coding strand, the complement: ATP7B is on the minus strand). VCF-style: chr13-51934935-C-G. GRCh37 (hg19) VCF-style: chr13-52509071-C-G.
Other names: c.3598G>C, p.Asp1200His (NM_001005918.3); c.3886G>C, p.Asp1296His (NM_001243182.2); c.3985G>C, p.Asp1329His (NM_001330578.2, NM_001406527.1, NM_001406528.1); c.3967G>C, p.Asp1323His (NM_001330579.2, NM_001406531.1, NM_001406532.1); c.4219G>C, p.Asp1407His (NM_001406511.1, NM_001406512.1); c.4213G>C, p.Asp1405His (NM_001406513.1); c.4186G>C, p.Asp1396His (NM_001406514.1); c.4165G>C, p.Asp1389His (NM_001406515.1, NM_001406516.1); and 21 more; short protein forms D1126H, D1180H, D1191H, D1200H, D1213H, D1243H, D1245H, D1258H.
Identifiers: ClinVar variation 3075572 (VCV003075572.1), dbSNP rs2547542447, ClinGen allele CA388019546.

ClinVar aggregate classification (germline): Uncertain significance (1 of 4 stars; one submission).

Conditions:
Wilson disease (WND). Also called: Wilson's disease. Identifiers: Orphanet 905, MedGen C0019202, MONDO:0010200, OMIM 277900. Disease mechanism: loss of function.

Submission:

All of Us Research Program, National Institutes of Health
Classification: Uncertain significance for Wilson disease. Last evaluated: 2023-07-10. Review status: criteria provided, single submitter. Criteria: ACMG Guidelines, 2015. Collection method: clinical testing. Allele origin: germline. Inheritance: Autosomal recessive inheritance. Observed: 2 variant alleles, 2 heterozygotes.
Comment: This missense variant replaces aspartic acid with histidine at codon 1407 of the ATP7B protein. Computational prediction is inconclusive regarding the impact of this variant on protein structure and function (internally defined REVEL score threshold 0.5 < inconclusive < 0.7, PMID: 27666373). To our knowledge, functional studies have not been reported for this variant. This variant has not been reported in individuals affected with ATP7B-related disorders in the literature. This variant has not been identified in the general population by the Genome Aggregation Database (gnomAD). The available evidence is insufficient to determine the role of this variant in disease conclusively. Therefore, this variant is classified as a Variant of Uncertain Significance.

This study involves interpretation of variants in research participants for the purpose of population health screening. Participant phenotype was not available at the time of variant classification. Additional details can be found in publication PMID: 35346344, PMCID: PMC8962531